The following is an entry in ClinVar:

ClinVar aggregate classification (germline): Benign. Review status: criteria provided, multiple submitters, no conflicts (2 of 4 stars). 6 submissions from 6 submitters: Benign (6). Last evaluated 2026-01-28.

Conditions:
Hearing loss, X-linked 6. Also called: Deafness, X-linked 6. Identifiers: Orphanet 90625, MedGen C3806737, MONDO:0010484, OMIM 300914.

Allele frequency attached by ClinVar (database versions not stated): gnomAD exomes 0.00043 and 0.00122; ExAC 0.00221; 1000 Genomes Project 0.00477; 1000 Genomes Project 30x 0.00479; gnomAD 0.00501 and 0.00526; TOPMed 0.00547; ESP Exome Variant Server 0.00596.
gnomAD v4.1: 1,050 of 1,207,360 alleles (0.087%); highest among the groups gnomAD compares: African/African-American, 1.7%; 5 homozygotes.

Submissions (6):

Labcorp Genetics (formerly Invitae), Labcorp
Classification: Benign. Last evaluated: 2026-01-28. Review status: criteria provided, single submitter. Criteria: Invitae Variant Classification Sherloc (09022015). Collection method: clinical testing. Allele origin: germline.

Mayo Clinic Laboratories, Mayo Clinic
Classification: Benign. Last evaluated: 2024-09-19. Review status: criteria provided, single submitter. Criteria: ACMG Guidelines, 2015. Collection method: clinical testing. Allele origin: germline. Observed: 1 variant allele.
Comment: BS1, BS2, BP4, BP7

Blueprint Genetics
Classification: Benign. Last evaluated: 2024-09-04. Review status: criteria provided, single submitter. Criteria: ACMG Guidelines, 2015. Collection method: clinical testing. Allele origin: germline.

Genome-Nilou Lab
Classification: Benign for Hearing loss, X-linked 6. Last evaluated: 2022-03-15. Review status: criteria provided, single submitter. Criteria: ACMG Guidelines, 2015. Collection method: clinical testing. Allele origin: germline. Affected: no.

GeneDx
Classification: Benign. Last evaluated: 2019-11-21. Review status: criteria provided, single submitter. Criteria: GeneDx Variant Classification Process June 2021. Collection method: clinical testing. Allele origin: germline. Affected: yes.

Breakthrough Genomics
Classification: Benign. Review status: criteria provided, single submitter. Criteria: ACMG Guidelines, 2015. Collection method: not provided. Allele origin: germline. Inheritance: X-linked inheritance. Affected: yes.

NM_033641.4(COL4A6):c.1125A>G (p.Glu375=)

Gene: COL4A6 (collagen type IV alpha 6 chain; minus strand). Cytogenetic location: Xq22.3.
Variant type: single nucleotide variant.
Coding change: c.1125A>G on transcript NM_033641.4 (MANE Select); coding-DNA position 1125, A replaced by G.
Protein change: p.Glu375=; no amino-acid change (glutamic acid 375 retained).
Molecular consequence: synonymous variant.
Genome position (GRCh38, 1-based): chrX:108,192,528, T>C on the plus strand (A>G on the coding strand, the complement: COL4A6 is on the minus strand). VCF-style: chrX-108192528-T-C. GRCh37 (hg19) VCF-style: chrX-107435758-T-C.
Other names: p.Glu376=; c.1125A>G, p.Glu375= (NM_001287758.2, NM_001287759.2, NM_001287760.2); c.1128A>G, p.Glu376= (NM_001847.4).
Identifiers: ClinVar variation 515260 (VCV000515260.17), dbSNP rs142057815, ClinGen allele CA10487899.
Genomic context (GRCh38, chrX:108,192,528, plus strand): 5'-TTCACCTGATAATGCTGGCAATCCAGGGACACCAGAAGGGCCACGTAGGCCTTGGATGCC[T>C]TCATCTCCTTTAAGGCCTGGGAGGCCAGGTACACCAGGATCTCCAGGATTACCTGGCATT-3'
Protein context (NP_378667.1, residues 365-385): VPGLPGLKGD[Glu375=]GIQGLRGPSG